The following is an entry in ClinVar:

ClinVar aggregate classification (germline): Benign/Likely benign. Review status: criteria provided, multiple submitters, no conflicts (2 of 4 stars). 4 submissions from 4 submitters: Benign (1); Likely benign (3). Last evaluated 2025-11-10.

Conditions:
Hereditary cancer-predisposing syndrome. Also called: Neoplastic Syndromes, Hereditary; Tumor predisposition; Hereditary Cancer Syndrome; Hereditary neoplastic syndrome. Identifiers: Orphanet 140162, MedGen C0027672, MeSH D009386, MONDO:0015356.
Pheochromocytoma/paraganglioma syndrome 4. Also called: CAROTID BODY TUMORS AND MULTIPLE EXTRAADRENAL PHEOCHROMOCYTOMAS; PARAGANGLIOMA, FAMILIAL MALIGNANT; PARAGANGLIOMAS, HEREDITARY EXTRAADRENAL; PHEOCHROMOCYTOMA, FAMILIAL EXTRAADRENAL; Paragangliomas 4; SDHB-Related Hereditary Paraganglioma-Pheochromocytoma Syndrome (Paragangliomas 4). Identifiers: Orphanet 29072, MedGen C1861848, MONDO:0007273, OMIM 115310.
Pheochromocytoma. Also called: MAX-Related Hereditary Paraganglioma-Pheochromocytoma Syndrome. Identifiers: Orphanet 29072, MedGen C0031511, MONDO:0008233, OMIM 171300, HP:0002666.
Gastrointestinal stromal tumor. Also called: Gastrointestinal stromal tumor, somatic; Gastrointestinal stroma tumor. Identifiers: Orphanet 44890, MedGen C0238198, MeSH D046152, MONDO:0011719, OMIM 606764, HP:0100723.
Hereditary pheochromocytoma and paraganglioma. Also called: Hereditary Paraganglioma-Pheochromocytoma Syndromes; Hereditary pheochromocytoma-paraganglioma; Hereditary paragangliomas and pheochromocytomas. Identifiers: Orphanet 29072, MedGen C4274332, MONDO:0017366.

gnomAD v4.1: 6 of 1,611,780 alleles (0.00037%); highest among the groups gnomAD compares: East Asian, 0.0022%; no homozygotes.

Submissions (4):

Labcorp Genetics (formerly Invitae), Labcorp
Classification: Likely benign for Gastrointestinal stromal tumor; Pheochromocytoma/paraganglioma syndrome 4; Pheochromocytoma. Last evaluated: 2025-11-10. Review status: criteria provided, single submitter. Criteria: Invitae Variant Classification Sherloc (09022015). Collection method: clinical testing. Allele origin: germline.

Myriad Genetics, Inc.
Classification: Benign for Pheochromocytoma/paraganglioma syndrome 4. Last evaluated: 2025-03-12. Review status: criteria provided, single submitter. Criteria: Myriad Autosomal Dominant, Autosomal Recessive and X-Linked Classification Criteria (2023). Collection method: clinical testing. Allele origin: unknown.
Comment: This variant is considered benign. This variant is a silent/synonymous amino acid change and it is not expected to impact splicing.

All of Us Research Program, National Institutes of Health
Classification: Likely benign for Hereditary pheochromocytoma and paraganglioma. Last evaluated: 2023-08-28. Review status: criteria provided, single submitter. Criteria: ACMG Guidelines, 2015. Collection method: clinical testing. Allele origin: germline. Inheritance: Autosomal dominant inheritance. Observed: 2 variant alleles, 2 heterozygotes.
Comment: This study involves interpretation of variants in research participants for the purpose of population health screening. Participant phenotype was not available at the time of variant classification. Additional details can be found in publication PMID: 35346344, PMCID: PMC8962531

Ambry Genetics
Classification: Likely benign for Hereditary cancer-predisposing syndrome. Last evaluated: 2022-05-07. Review status: criteria provided, single submitter. Criteria: Ambry Variant Classification Scheme 2023. Collection method: clinical testing. Allele origin: germline.

NM_003000.3(SDHB):c.18C>G (p.Ala6=)

Gene: SDHB (succinate dehydrogenase complex iron sulfur subunit B; minus strand). Cytogenetic location: 1p36.13.
Variant type: single nucleotide variant.
Coding change: c.18C>G on transcript NM_003000.3 (MANE Select); coding-DNA position 18, C replaced by G.
Protein change: p.Ala6=; no amino-acid change (alanine 6 retained).
Molecular consequence: synonymous variant.
Genome position (GRCh38, 1-based): chr1:17,054,002, G>C on the plus strand (C>G on the coding strand, the complement: SDHB is on the minus strand). VCF-style: chr1-17054002-G-C. GRCh37 (hg19) VCF-style: chr1-17380497-G-C.
Identifiers: ClinVar variation 1587062 (VCV001587062.12), dbSNP rs2746462, ClinGen allele CA089526.